The following is an entry in ClinVar:

NM_018230.3(NUP133):c.2412G>C (p.Gln804His)

Gene: NUP133 (nucleoporin 133; minus strand). Cytogenetic location: 1q42.13.
Variant type: single nucleotide variant.
Coding change: c.2412G>C on transcript NM_018230.3 (MANE Select); coding-DNA position 2412, G replaced by C.
Protein change: p.Gln804His; replaces glutamine 804 with histidine.
Molecular consequence: missense variant.
Genome position (GRCh38, 1-based): chr1:229,464,763, C>G on the plus strand (G>C on the coding strand, the complement: NUP133 is on the minus strand). VCF-style: chr1-229464763-C-G. GRCh37 (hg19) VCF-style: chr1-229600510-C-G.
Other names: short protein forms Q804H.
Identifiers: ClinVar variation 2210528 (VCV002210528.5), dbSNP rs773667540, ClinGen allele CA1443294.

ClinVar aggregate classification (germline): Uncertain significance. Review status: criteria provided, multiple submitters, no conflicts (2 of 4 stars). 2 submissions from 2 submitters: Uncertain significance (2). Last evaluated 2025-01-19.

Allele frequency attached by ClinVar (database versions not stated): ExAC 0.00005; gnomAD exomes 0.00006; TOPMed 0.00006; gnomAD 0.00009.

Submissions (2):

Ambry Genetics
Classification: Uncertain significance. Last evaluated: 2025-01-19. Review status: criteria provided, single submitter. Criteria: Ambry Variant Classification Scheme 2023. Collection method: clinical testing. Allele origin: germline.

Labcorp Genetics (formerly Invitae), Labcorp
Classification: Uncertain significance. Last evaluated: 2024-03-28. Review status: criteria provided, single submitter. Criteria: Invitae Variant Classification Sherloc (09022015). Collection method: clinical testing. Allele origin: germline.
Comment: This sequence change replaces glutamine, which is neutral and polar, with histidine, which is basic and polar, at codon 804 of the NUP133 protein (p.Gln804His). This variant is present in population databases (rs773667540, gnomAD 0.02%). This variant has not been reported in the literature in individuals affected with NUP133-related conditions. ClinVar contains an entry for this variant (Variation ID: 2210528). An algorithm developed to predict the effect of missense changes on protein structure and function (PolyPhen-2) suggests that this variant is likely to be disruptive. In summary, the available evidence is currently insufficient to determine the role of this variant in disease. Therefore, it has been classified as a Variant of Uncertain Significance.